The following is an entry in ClinVar:

NM_000256.3(MYBPC3):c.524C>G (p.Ser175Ter)

Gene: MYBPC3 (myosin binding protein C3; minus strand). Cytogenetic location: 11p11.2.
Variant type: single nucleotide variant.
Coding change: c.524C>G on transcript NM_000256.3 (MANE Select); coding-DNA position 524, C replaced by G.
Protein change: p.Ser175Ter; replaces serine 175 with a stop codon.
Molecular consequence: nonsense.
Genome position (GRCh38, 1-based): chr11:47,349,904, G>C on the plus strand (C>G on the coding strand, the complement: MYBPC3 is on the minus strand). VCF-style: chr11-47349904-G-C. GRCh37 (hg19) VCF-style: chr11-47371455-G-C.
Other names: short protein forms S175*.
Identifiers: ClinVar variation 4719483 (VCV004719483.1).

ClinVar aggregate classification (germline): Pathogenic (1 of 4 stars; one submission).

Conditions:
Hypertrophic cardiomyopathy. Also called: HYPERTROPHIC MYOCARDIOPATHY. Identifiers: Orphanet 217569, MedGen C0007194, MeSH D002312, MONDO:0005045, HP:0001639.

Submission:

Labcorp Genetics (formerly Invitae), Labcorp
Classification: Pathogenic for Hypertrophic cardiomyopathy. Last evaluated: 2025-05-13. Review status: criteria provided, single submitter. Criteria: Invitae Variant Classification Sherloc (09022015). Collection method: clinical testing. Allele origin: germline.
Comment: This sequence change creates a premature translational stop signal (p.Ser175*) in the MYBPC3 gene. It is expected to result in an absent or disrupted protein product. Loss-of-function variants in MYBPC3 are known to be pathogenic (PMID: 19574547). This variant is not present in population databases (gnomAD no frequency). This variant has not been reported in the literature in individuals affected with MYBPC3-related conditions. For these reasons, this variant has been classified as Pathogenic.

Literature cited by the submitters: PubMed 19574547.